The following is an entry in ClinVar:

ClinVar aggregate classification (germline): Benign (1 of 4 stars; one submission).

Conditions:
Papillary renal cell carcinoma type 1 (RCCP1). Also called: Renal adenocarcinoma; Renal cell carcinoma 1; Renal cell carcinoma, somatic; RENAL CELL CARCINOMA, PAPILLARY, 1, SOMATIC. Identifiers: Orphanet 47044, MedGen C1336839, OMIM 605074, HP:0011797.

gnomAD v4.1: 1 of 1,613,264 alleles (0.000062%); highest among the groups gnomAD compares: Admixed American, 0.0017%; no homozygotes.

Submission:

Myriad Genetics, Inc.
Classification: Benign for Papillary renal cell carcinoma type 1. Last evaluated: 2024-11-12. Review status: criteria provided, single submitter. Criteria: Myriad Autosomal Dominant, Autosomal Recessive and X-Linked Classification Criteria (2023). Collection method: clinical testing. Allele origin: unknown.
Comment: This variant is considered benign. This variant is a silent/synonymous amino acid change and it is not expected to impact splicing.

NM_000245.4(MET):c.2625A>G (p.Leu875=)

Gene: MET (MET proto-oncogene, receptor tyrosine kinase; plus strand). Cytogenetic location: 7q31.2.
Variant type: single nucleotide variant.
Coding change: c.2625A>G on transcript NM_000245.4 (MANE Select); coding-DNA position 2625, A replaced by G.
Protein change: p.Leu875=; no amino-acid change (leucine 875 retained).
Molecular consequence: synonymous variant.
Genome position (GRCh38, 1-based): chr7:116,769,686, A>G. VCF-style: chr7-116769686-A-G. GRCh37 (hg19) VCF-style: chr7-116409740-A-G.
Other names: c.2625A>G, p.Leu875= (NM_001324401.3); c.1335A>G, p.Leu445= (NM_001324402.2); c.2679A>G, p.Leu893= (NM_001127500.3).
Identifiers: ClinVar variation 3773230 (VCV003773230.1).